The following is an entry in ClinVar:

NM_001378452.1(ITPR1):c.3163G>A (p.Glu1055Lys)

Gene: ITPR1 (inositol 1,4,5-trisphosphate receptor type 1; plus strand). Cytogenetic location: 3p26.1.
Variant type: single nucleotide variant.
Coding change: c.3163G>A on transcript NM_001378452.1 (MANE Select); coding-DNA position 3163, G replaced by A.
Protein change: p.Glu1055Lys; replaces glutamic acid 1055 with lysine.
Molecular consequence: missense variant.
Genome position (GRCh38, 1-based): chr3:4,683,387, G>A. VCF-style: chr3-4683387-G-A. GRCh37 (hg19) VCF-style: chr3-4725071-G-A.
Other names: c.3091G>A (NM_002222.5); c.3136G>A, p.Glu1046Lys (NM_001099952.4); c.3118G>A, p.Glu1040Lys (NM_001168272.2); c.3091G>A, p.Glu1031Lys (NM_002222.7); short protein forms E1040K, E1046K, E1055K, E1031K.
Identifiers: ClinVar variation 1362686 (VCV001362686.8), dbSNP rs2125232528, ClinGen allele CA351650488.
Genomic context (GRCh38, chr3:4,683,387, plus strand): 5'-GGGCGTGAGAGGAGGCATTTGTCATTCATTTGGCCTTTCCCCACCTTGTGCTCCTTTAGT[G>A]AGGAGAACACCCCACTGGACTTGGATGACCACGGCGGCAGAACCTTTCTCCGTGTCCTGC-3'
Protein context (NP_001365381.1, residues 1045-1065): EQAEGIFGGS[Glu1055Lys]ENTPLDLDDH

ClinVar aggregate classification (germline): Uncertain significance. Review status: criteria provided, multiple submitters, no conflicts (2 of 4 stars). 2 submissions from 2 submitters: Uncertain significance (2). Last evaluated 2022-09-06.

Conditions:
ITPR1-related disorder. Also called: ITPR1-related condition.

Submissions (2):

PreventionGenetics, part of Exact Sciences
Classification: Uncertain significance for ITPR1-related condition. Last evaluated: 2022-09-06. Review status: criteria provided, single submitter. Criteria: ACMG Guidelines, 2015. Collection method: clinical testing. Allele origin: germline.
Comment: The ITPR1 c.3091G>A variant is predicted to result in the amino acid substitution p.Glu1031Lys. To our knowledge, this variant has not been reported in the literature or in a large population database, indicating this variant is rare. At this time, the clinical significance of this variant is uncertain due to the absence of conclusive functional and genetic evidence.

Labcorp Genetics (formerly Invitae), Labcorp
Classification: Uncertain significance. Last evaluated: 2022-06-20. Review status: criteria provided, single submitter. Criteria: Invitae Variant Classification Sherloc (09022015). Collection method: clinical testing. Allele origin: germline.
Comment: This variant has not been reported in the literature in individuals affected with ITPR1-related conditions. This variant is not present in population databases (gnomAD no frequency). This sequence change replaces glutamic acid, which is acidic and polar, with lysine, which is basic and polar, at codon 1031 of the ITPR1 protein (p.Glu1031Lys). Algorithms developed to predict the effect of missense changes on protein structure and function are either unavailable or do not agree on the potential impact of this missense change (SIFT: "Not Available"; PolyPhen-2: "Benign"; Align-GVGD: "Not Available"). In summary, the available evidence is currently insufficient to determine the role of this variant in disease. Therefore, it has been classified as a Variant of Uncertain Significance.